The following is an entry in ClinVar:

ClinVar aggregate classification (germline): Uncertain significance. Review status: criteria provided, multiple submitters, no conflicts (2 of 4 stars). 2 submissions from 2 submitters: Uncertain significance (2). Last evaluated 2024-10-31.

Allele frequency attached by ClinVar (database versions not stated): gnomAD exomes 0.00001; gnomAD 0.00006; TOPMed 0.00009.
gnomAD v4.1: 20 of 1,613,568 alleles (0.0012%); highest among the groups gnomAD compares: Admixed American, 0.023%; no homozygotes.

Submissions (2):

Labcorp Genetics (formerly Invitae), Labcorp
Classification: Uncertain significance. Last evaluated: 2024-10-31. Review status: criteria provided, single submitter. Criteria: Invitae Variant Classification Sherloc (09022015). Collection method: clinical testing. Allele origin: germline.
Comment: This sequence change replaces arginine, which is basic and polar, with glycine, which is neutral and non-polar, at codon 5240 of the HMCN1 protein (p.Arg5240Gly). This variant is present in population databases (no rsID available, gnomAD 0.01%). This variant has not been reported in the literature in individuals affected with HMCN1-related conditions. ClinVar contains an entry for this variant (Variation ID: 2073141). An algorithm developed to predict the effect of missense changes on protein structure and function (PolyPhen-2) suggests that this variant is likely to be disruptive. In summary, the available evidence is currently insufficient to determine the role of this variant in disease. Therefore, it has been classified as a Variant of Uncertain Significance.

Ambry Genetics
Classification: Uncertain significance. Last evaluated: 2024-03-04. Review status: criteria provided, single submitter. Criteria: Ambry Variant Classification Scheme 2023. Collection method: clinical testing. Allele origin: germline.

NM_031935.3(HMCN1):c.15718A>G (p.Arg5240Gly)

Gene: HMCN1 (hemicentin 1; plus strand). Cytogenetic location: 1q31.1.
Variant type: single nucleotide variant.
Coding change: c.15718A>G on transcript NM_031935.3 (MANE Select); coding-DNA position 15718, A replaced by G.
Protein change: p.Arg5240Gly; replaces arginine 5240 with glycine.
Molecular consequence: missense variant.
Genome position (GRCh38, 1-based): chr1:186,172,035, A>G. VCF-style: chr1-186172035-A-G. GRCh37 (hg19) VCF-style: chr1-186141167-A-G.
Other names: c.15718A>G (NM_031935.2); short protein forms R5240G.
Identifiers: ClinVar variation 2073141 (VCV002073141.5), dbSNP rs1169087621, ClinGen allele CA343933637.